The following is an entry in ClinVar:

ClinVar aggregate classification (germline): Uncertain significance. Review status: criteria provided, single submitter (1 of 4 stars). 2 submissions from 2 submitters: Uncertain significance (1). 1 of the submissions does not count toward it. Last evaluated 2024-11-11.

Conditions:
Charcot-Marie-Tooth disease dominant intermediate C (CMTDIC). Also called: CHARCOT-MARIE-TOOTH NEUROPATHY, DOMINANT INTERMEDIATE C. Identifiers: Orphanet 100045, MedGen C1842237, MONDO:0012012, OMIM 608323.

Submissions (2):

Labcorp Genetics (formerly Invitae), Labcorp
Classification: Uncertain significance for Charcot-Marie-Tooth disease dominant intermediate C. Last evaluated: 2024-11-11. Review status: criteria provided, single submitter. Criteria: Invitae Variant Classification Sherloc (09022015). Collection method: clinical testing. Allele origin: germline.
Comment: This sequence change replaces aspartic acid, which is acidic and polar, with histidine, which is basic and polar, at codon 81 of the YARS protein (p.Asp81His). This variant is not present in population databases (gnomAD no frequency). This variant has not been reported in the literature in individuals affected with YARS-related conditions. ClinVar contains an entry for this variant (Variation ID: 155736). Invitae Evidence Modeling of protein sequence and biophysical properties (such as structural, functional, and spatial information, amino acid conservation, physicochemical variation, residue mobility, and thermodynamic stability) indicates that this missense variant is expected to disrupt YARS protein function with a positive predictive value of 80%. In summary, the available evidence is currently insufficient to determine the role of this variant in disease. Therefore, it has been classified as a Variant of Uncertain Significance.

Northcott Neuroscience Laboratory, ANZAC Research Institute
Classification: Benign. Review status: no assertion criteria provided. Collection method: not provided. Allele origin: unknown. Not counted in ClinVar's aggregate classification.
Comment: CMT2 + Pyramidal signs with cough
ClinVar note: Converted during submission from non-pathogenic to Benign.

NM_003680.4(YARS1):c.241G>C (p.Asp81His)

Gene: YARS1 (tyrosyl-tRNA synthetase 1; minus strand). Cytogenetic location: 1p35.1.
Variant type: single nucleotide variant.
Coding change: c.241G>C on transcript NM_003680.4 (MANE Select); coding-DNA position 241, G replaced by C.
Protein change: p.Asp81His; replaces aspartic acid 81 with histidine.
Molecular consequence: missense variant.
Genome position (GRCh38, 1-based): chr1:32,810,730, C>G on the plus strand (G>C on the coding strand, the complement: YARS1 is on the minus strand). VCF-style: chr1-32810730-C-G. GRCh37 (hg19) VCF-style: chr1-33276331-C-G.
Other names: short protein forms D81H.
Identifiers: ClinVar variation 155736 (VCV000155736.5), dbSNP rs587777891, ClinGen allele CA233071.